The following is an entry in ClinVar:

ClinVar aggregate classification (germline): Uncertain significance (1 of 4 stars; one submission).

Submission:

Labcorp Genetics (formerly Invitae), Labcorp
Classification: Uncertain significance. Last evaluated: 2025-04-17. Review status: criteria provided, single submitter. Criteria: Invitae Variant Classification Sherloc (09022015). Collection method: clinical testing. Allele origin: germline.
Comment: This sequence change replaces cysteine, which is neutral and slightly polar, with arginine, which is basic and polar, at codon 80 of the LMX1B protein (p.Cys80Arg). This variant is not present in population databases (gnomAD no frequency). This missense change has been observed in individuals with clinical features of nail-patella syndrome (PMID: 10571942; internal data). This variant is also known as C57R 169T>C. ClinVar contains an entry for this variant (Variation ID: 1406073). Invitae Evidence Modeling of protein sequence and biophysical properties (such as structural, functional, and spatial information, amino acid conservation, physicochemical variation, residue mobility, and thermodynamic stability) indicates that this missense variant is expected to disrupt LMX1B protein function with a positive predictive value of 80%. This variant disrupts the p.Cys80 amino acid residue in LMX1B. Other variant(s) that disrupt this residue have been observed in individuals with LMX1B-related conditions (PMID: 15928687), which suggests that this may be a clinically significant amino acid residue. In summary, the available evidence is currently insufficient to determine the role of this variant in disease. Therefore, it has been classified as a Variant of Uncertain Significance.

Literature cited by the submitters: PubMed 10571942; PubMed 15928687.

NM_001174147.2(LMX1B):c.238T>C (p.Cys80Arg)

Gene: LMX1B (LIM homeobox transcription factor 1 beta; plus strand). Cytogenetic location: 9q33.3.
Variant type: single nucleotide variant.
Coding change: c.238T>C on transcript NM_001174147.2 (MANE Select); coding-DNA position 238, T replaced by C.
Protein change: p.Cys80Arg; replaces cysteine 80 with arginine.
Molecular consequence: missense variant.
Genome position (GRCh38, 1-based): chr9:126,615,481, T>C. VCF-style: chr9-126615481-T-C. GRCh37 (hg19) VCF-style: chr9-129377760-T-C.
Other names: c.238T>C, p.Cys80Arg (NM_001174146.2, NM_002316.4); short protein forms C80R.
Identifiers: ClinVar variation 1406073 (VCV001406073.8), dbSNP rs2118823527, ClinGen allele CA374910056.